The following is an entry in ClinVar:

ClinVar aggregate classification (germline): Uncertain significance (1 of 4 stars; one submission).

Conditions:
Hereditary spastic paraplegia 2 (SPG2). Also called: SPASTIC PARAPLEGIA 2, X-LINKED; Spastic Paraplegia 2 (SPG2). Identifiers: Orphanet 99015, MedGen C0751604, MONDO:0010733, OMIM 312920.

Submission:

Labcorp Genetics (formerly Invitae), Labcorp
Classification: Uncertain significance for Hereditary spastic paraplegia 2. Last evaluated: 2025-03-31. Review status: criteria provided, single submitter. Criteria: Invitae Variant Classification Sherloc (09022015). Collection method: clinical testing. Allele origin: germline.
Comment: This sequence change replaces proline, which is neutral and non-polar, with serine, which is neutral and polar, at codon 15 of the PLP1 protein (p.Pro15Ser). This variant is not present in population databases (gnomAD no frequency). This variant has not been reported in the literature in individuals affected with PLP1-related conditions. ClinVar contains an entry for this variant (Variation ID: 2018207). Invitae Evidence Modeling of protein sequence and biophysical properties (such as structural, functional, and spatial information, amino acid conservation, physicochemical variation, residue mobility, and thermodynamic stability) indicates that this missense variant is expected to disrupt PLP1 protein function with a positive predictive value of 80%. This variant disrupts the p.Pro15 amino acid residue in PLP1. Other variant(s) that disrupt this residue have been determined to be pathogenic (PMID: 2480601, 24139698). This suggests that this residue is clinically significant, and that variants that disrupt this residue are likely to be disease-causing. In summary, the available evidence is currently insufficient to determine the role of this variant in disease. Therefore, it has been classified as a Variant of Uncertain Significance.

Literature cited by the submitters: PubMed 2480601; PubMed 24139698.

NM_000533.5(PLP1):c.43C>T (p.Pro15Ser)

Genes: PLP1 (proteolipid protein 1; plus strand), RAB9B (RAB9B, member RAS oncogene family; minus strand). Cytogenetic location: Xq22.2.
Variant type: single nucleotide variant.
Coding change: c.43C>T on transcript NM_000533.5 (MANE Select); coding-DNA position 43, C replaced by T.
Protein change: p.Pro15Ser; replaces proline 15 with serine.
Molecular consequence: missense variant. On other transcripts: intron variant (1).
Genome position (GRCh38, 1-based): chrX:103,785,620, C>T. VCF-style: chrX-103785620-C-T. GRCh37 (hg19) VCF-style: chrX-103040549-C-T.
Other names: c.43C>T, p.Pro15Ser (NM_001128834.3, NM_199478.3); c.5-127C>T (NM_001305004.1); short protein forms P15S.
Identifiers: ClinVar variation 2018207 (VCV002018207.4), dbSNP rs11543017, ClinGen allele CA414101863.